The following is an entry in ClinVar:

ClinVar aggregate classification (germline): Pathogenic (1 of 4 stars; one submission).

Conditions:
Angelman syndrome (AS). Also called: HAPPY PUPPET SYNDROME. Identifiers: Orphanet 72, MedGen C0162635, MONDO:0007113, OMIM 105830. Disease mechanism: loss of function. Inheritance: AS is caused by disruption of maternally imprinted UBE3A located within the 15q11.2-q13 Angelman syndrome/Prader-Willi syndrome (AS/PWS) region., imprinting disorder.

Submission:

Labcorp Genetics (formerly Invitae), Labcorp
Classification: Pathogenic for Angelman syndrome. Last evaluated: 2018-06-14. Review status: criteria provided, single submitter. Criteria: Invitae Variant Classification Sherloc (09022015). Collection method: clinical testing. Allele origin: germline.
Comment: This sequence change creates a premature translational stop signal (p.Val515Serfs*3) in the UBE3A gene. It is expected to result in an absent or disrupted protein product. This variant is not present in population databases (ExAC no frequency). This variant has not been reported in the literature in individuals with UBE3A-related disease. Loss-of-function variants in UBE3A are known to be pathogenic (PMID: 25212744). For these reasons, this variant has been classified as Pathogenic.

Literature cited by the submitters: PubMed 25212744.

NM_130839.5(UBE3A):c.1600del (p.Val535fs)

Genes: SNHG14 (small nucleolar RNA host gene 14; plus strand), UBE3A (ubiquitin protein ligase E3A; minus strand). Cytogenetic location: 15q11.2.
Variant type: Deletion.
Coding change: c.1600del on transcript NM_130839.5 (MANE Select); coding-DNA position 1600, one base deleted (C; older notation c.1600delC).
Protein change: p.Val535fs; shifts the reading frame from valine 535.
Molecular consequence: frameshift variant. On other transcripts: non-coding transcript variant (1), intron variant (2).
Genome position (GRCh38, 1-based): chr15:25,370,574, G deleted on the plus strand (C on the coding strand, the reverse complement: UBE3A is on the minus strand). VCF-style (leftmost placement, unchanged base first): chr15-25370573-AG-A. GRCh37 (hg19) VCF-style: chr15-25615720-AG-A.
Other names: c.1609del, p.Val538fs (NM_000462.5); c.1600del, p.Val535fs (NM_001354505.1, NM_001354538.2, NM_001354545.2); c.1540del, p.Val515fs (NM_001354506.2, NM_001354507.2, NM_001354508.2 and 17 more transcripts); c.1423del, p.Val476fs (NM_001354546.2); c.301+4891del (NM_001354551.2); c.361+4891del (NM_001354550.2); short protein forms V476fs, V515fs, V538fs, V535fs.
Identifiers: ClinVar variation 568584 (VCV000568584.6), dbSNP rs1566954070, ClinGen allele CA891843647.